The following is an entry in ClinVar:

ClinVar aggregate classification (germline): Conflicting classifications of pathogenicity. Review status: criteria provided, conflicting classifications (1 of 4 stars). 3 submissions from 3 submitters: Uncertain significance (1); Likely benign (1). 1 of the submissions does not count toward it. Last evaluated 2025-11-25.

Conditions:
CDK13-related disorder. Also called: CDK13-related condition. Identifiers: MedGen C5816700.

Allele frequency attached by ClinVar (database versions not stated): TOPMed 0.00014; gnomAD 0.00017; ExAC 0.00018; gnomAD exomes 0.00033; ESP Exome Variant Server 0.00046.
gnomAD v4.1: 530 of 1,597,948 alleles (0.033%); highest among the groups gnomAD compares: Non-Finnish European, 0.041%; no homozygotes.

Submissions (3):

Labcorp Genetics (formerly Invitae), Labcorp
Classification: Uncertain significance. Last evaluated: 2025-11-25. Review status: criteria provided, single submitter. Criteria: Invitae Variant Classification Sherloc (09022015). Collection method: clinical testing. Allele origin: germline.
Comment: This sequence change affects codon 727 of the CDK13 mRNA. It is a 'silent' change, meaning that it does not change the encoded amino acid sequence of the CDK13 protein. It affects a nucleotide within the consensus splice site. This variant is present in population databases (rs144563768, gnomAD 0.03%), and has an allele count higher than expected for a pathogenic variant. This variant has not been reported in the literature in individuals affected with CDK13-related conditions. ClinVar contains an entry for this variant (Variation ID: 1879686). Algorithms developed to predict the effect of sequence changes on RNA splicing suggest that this variant is not likely to affect RNA splicing. In summary, the available evidence is currently insufficient to determine the role of this variant in disease. Therefore, it has been classified as a Variant of Uncertain Significance.

CeGaT Center for Human Genetics Tuebingen
Classification: Likely benign. Last evaluated: 2022-11-01. Review status: criteria provided, single submitter. Criteria: CeGaT Center For Human Genetics Tuebingen Variant Classification Criteria Version 2. Collection method: clinical testing. Allele origin: germline. Affected: yes. Observed: 1 variant allele.
Comment: CDK13: BP4, BP7

PreventionGenetics, part of Exact Sciences
Classification: Likely benign for CDK13-related condition. Last evaluated: 2020-12-01. Review status: no assertion criteria provided. Collection method: clinical testing. Allele origin: germline. Not counted in ClinVar's aggregate classification.
Comment: This variant is classified as likely benign based on ACMG/AMP sequence variant interpretation guidelines (Richards et al. 2015 PMID: 25741868, with internal and published modifications).

NM_003718.5(CDK13):c.2181T>G (p.Thr727=)

Gene: CDK13 (cyclin dependent kinase 13; plus strand). Cytogenetic location: 7p14.1.
Variant type: single nucleotide variant.
Coding change: c.2181T>G on transcript NM_003718.5 (MANE Select); coding-DNA position 2181, T replaced by G.
Protein change: p.Thr727=; no amino-acid change (threonine 727 retained).
Molecular consequence: synonymous variant.
Genome position (GRCh38, 1-based): chr7:39,999,499, T>G. VCF-style: chr7-39999499-T-G. GRCh37 (hg19) VCF-style: chr7-40039098-T-G.
Other names: c.2181T>G, p.Thr727= (NM_031267.4).
Identifiers: ClinVar variation 1879686 (VCV001879686.33), dbSNP rs144563768, ClinGen allele CA4228647.